The following is an entry in ClinVar:

ClinVar aggregate classification (germline): Uncertain significance (1 of 4 stars; one submission).

Submission:

Ambry Genetics
Classification: Uncertain significance. Last evaluated: 2024-08-17. Review status: criteria provided, single submitter. Criteria: Ambry Variant Classification Scheme 2023. Collection method: clinical testing. Allele origin: germline.
Comment: The p.R249K variant (also known as c.746G>A), located in coding exon 8 of the FAM175A gene, results from a G to A substitution at nucleotide position 746. The arginine at codon 249 is replaced by lysine, an amino acid with highly similar properties. This amino acid position is conserved. In addition, this alteration is predicted to be tolerated by in silico analysis. Based on the available evidence, the clinical significance of this variant remains unclear.

NM_139076.3(ABRAXAS1):c.746G>A (p.Arg249Lys)

Gene: ABRAXAS1 (abraxas 1, BRCA1 A complex subunit; minus strand). Cytogenetic location: 4q21.23.
Variant type: single nucleotide variant.
Coding change: c.746G>A on transcript NM_139076.3 (MANE Select); coding-DNA position 746, G replaced by A.
Protein change: p.Arg249Lys; replaces arginine 249 with lysine.
Molecular consequence: missense variant.
Genome position (GRCh38, 1-based): chr4:83,463,544, C>T on the plus strand (G>A on the coding strand, the complement: ABRAXAS1 is on the minus strand). VCF-style: chr4-83463544-C-T. GRCh37 (hg19) VCF-style: chr4-84384697-C-T.
Other names: c.419G>A, p.Arg140Lys (NM_001345962.2); short protein forms R140K, R249K.
Identifiers: ClinVar variation 3445133 (VCV003445133.1).